The following is an entry in ClinVar:

NM_003072.5(SMARCA4):c.761-3T>C

Gene: SMARCA4 (SWI/SNF related BAF chromatin remodeling complex subunit ATPase 4; plus strand). Cytogenetic location: 19p13.2.
Variant type: single nucleotide variant.
Coding change: c.761-3T>C on transcript NM_003072.5 (MANE Select); 3 bases into the intron before coding-DNA position 761, T replaced by C.
Molecular consequence: intron variant.
Genome position (GRCh38, 1-based): chr19:10,986,902, T>C. VCF-style: chr19-10986902-T-C. GRCh37 (hg19) VCF-style: chr19-11097578-T-C.
Other names: c.761-3T>C (NM_001128849.1, NM_001128844.3, NM_001128849.3 and 6 more transcripts).
Identifiers: ClinVar variation 2126828 (VCV002126828.5), dbSNP rs1555754119, ClinGen allele CA2580096264.
Genomic context (GRCh38, chr19:10,986,902, plus strand): 5'-GGGCTGGGCGCAGGCATAAACCTGGGACGCACTGTTTTCTCTTTTGTTTCTCCCTACATG[T>C]AGGTATGGGAGGGCCCAACATGCCTCCCCCAGGACCCTCGGGCGTGCCCCCCGGGATGCC-3'

ClinVar aggregate classification (germline): Uncertain significance. Review status: criteria provided, multiple submitters, no conflicts (2 of 4 stars). 2 submissions from 2 submitters: Uncertain significance (2). Last evaluated 2025-08-07.

Conditions:
Hereditary cancer-predisposing syndrome. Also called: Hereditary neoplastic syndrome; Tumor predisposition; Hereditary Cancer Syndrome; Neoplastic Syndromes, Hereditary. Identifiers: Orphanet 140162, MedGen C0027672, MeSH D009386, MONDO:0015356.
Rhabdoid tumor predisposition syndrome 2 (RTPS2). Identifiers: Orphanet 231108, Orphanet 69077, MedGen C2750074, MONDO:0013224, OMIM 613325.

Submissions (2):

Labcorp Genetics (formerly Invitae), Labcorp
Classification: Uncertain significance for Rhabdoid tumor predisposition syndrome 2. Last evaluated: 2025-08-07. Review status: criteria provided, single submitter. Criteria: Invitae Variant Classification Sherloc (09022015). Collection method: clinical testing. Allele origin: germline.
Comment: This sequence change falls in intron 4 of the SMARCA4 gene. It does not directly change the encoded amino acid sequence of the SMARCA4 protein. It affects a nucleotide within the consensus splice site. This variant is not present in population databases (gnomAD no frequency). This variant has not been reported in the literature in individuals affected with SMARCA4-related conditions. ClinVar contains an entry for this variant (Variation ID: 2126828). Variants that disrupt the consensus splice site are a relatively common cause of aberrant splicing (PMID: 17576681, 9536098). Algorithms developed to predict the effect of sequence changes on RNA splicing suggest that this variant is not likely to affect RNA splicing. In summary, the available evidence is currently insufficient to determine the role of this variant in disease. Therefore, it has been classified as a Variant of Uncertain Significance.

Ambry Genetics
Classification: Uncertain significance for Hereditary cancer-predisposing syndrome. Last evaluated: 2025-07-29. Review status: criteria provided, single submitter. Criteria: Ambry Variant Classification Scheme 2023. Collection method: clinical testing. Allele origin: germline.
Comment: The c.761-3T>C intronic variant results from a T to C substitution 3 nucleotides upstream from coding exon 4 in the SMARCA4 gene. This nucleotide position is not well conserved in available vertebrate species. In silico splice site analysis predicts that this alteration will not have any significant effect on splicing. Based on the available evidence, the clinical significance of this variant remains unclear.

Literature cited by the submitters: PubMed 17576681 (cited by Labcorp Genetics (formerly Invitae), Labcorp); PubMed 9536098 (cited by Labcorp Genetics (formerly Invitae), Labcorp).